The following is an entry in ClinVar:

ClinVar aggregate classification (germline): Conflicting classifications of pathogenicity. Review status: criteria provided, conflicting classifications (1 of 4 stars). 2 submissions from 2 submitters: Uncertain significance (1); Likely benign (1). Last evaluated 2023-03-23.

Conditions:
Hereditary cancer-predisposing syndrome. Also called: Neoplastic Syndromes, Hereditary; Tumor predisposition; Hereditary neoplastic syndrome; Hereditary Cancer Syndrome. Identifiers: Orphanet 140162, MedGen C0027672, MeSH D009386, MONDO:0015356.
Hereditary breast ovarian cancer syndrome. Also called: Hereditary breast and ovarian cancer syndrome; Hereditary breast and ovarian cancer syndrome (HBOC); BRCA1- and BRCA2-Associated Hereditary Breast and Ovarian Cancer; Hereditary breast and/or ovarian cancer syndrome; Hereditary breast and ovarian cancer; Breast and ovarian cancer. Identifiers: Orphanet 145, MedGen C0677776, MeSH D061325, MONDO:0003582. Disease mechanism: loss of function.

Submissions (2):

University of Washington Department of Laboratory Medicine, University of Washington
Classification: Likely benign for Hereditary cancer-predisposing syndrome. Last evaluated: 2023-03-23. Review status: criteria provided, single submitter. Criteria: Dines et al. (Genet Med. 2020). Collection method: curation. Allele origin: germline.
Comment: Missense variant in a coldspot region where missense variants are very unlikely to be pathogenic (PMID:31911673).

BRCA2 exon 11 coldspot. Reclassification based on statistical prior probability.

Labcorp Genetics (formerly Invitae), Labcorp
Classification: Uncertain significance for Hereditary breast ovarian cancer syndrome. Last evaluated: 2018-04-04. Review status: criteria provided, single submitter. Criteria: Invitae Variant Classification Sherloc (09022015). Collection method: clinical testing. Allele origin: germline.
Comment: Algorithms developed to predict the effect of missense changes on protein structure and function output the following: SIFT: "Tolerated"; PolyPhen-2: "Benign"; Align-GVGD: "Class C0". The alanine amino acid residue is found in multiple mammalian species, suggesting that this missense change does not adversely affect protein function. These predictions have not been confirmed by published functional studies and their clinical significance is uncertain. In summary, the available evidence is currently insufficient to determine the role of this variant in disease. Therefore, it has been classified as a Variant of Uncertain Significance. This variant has not been reported in the literature in individuals with BRCA2-related disease. This variant is not present in population databases (ExAC no frequency). This sequence change replaces threonine with alanine at codon 939 of the BRCA2 protein (p.Thr939Ala). The threonine residue is weakly conserved and there is a small physicochemical difference between threonine and alanine.

NM_000059.4(BRCA2):c.2815A>G (p.Thr939Ala)

Gene: BRCA2 (BRCA2 DNA repair associated; plus strand). Cytogenetic location: 13q13.1.
Variant type: single nucleotide variant.
Coding change: c.2815A>G on transcript NM_000059.4 (MANE Select); coding-DNA position 2815, A replaced by G.
Protein change: p.Thr939Ala; replaces threonine 939 with alanine.
Molecular consequence: missense variant.
Genome position (GRCh38, 1-based): chr13:32,337,170, A>G. VCF-style: chr13-32337170-A-G. GRCh37 (hg19) VCF-style: chr13-32911307-A-G.
Other names: short protein forms T939A.
Identifiers: ClinVar variation 578814 (VCV000578814.10), dbSNP rs1566227305, ClinGen allele CA387773774.